The following is an entry in ClinVar:

ClinVar aggregate classification (germline): Uncertain significance (1 of 4 stars; one submission).

Conditions:
Hereditary cancer-predisposing syndrome. Also called: Neoplastic Syndromes, Hereditary; Tumor predisposition; Hereditary Cancer Syndrome; Hereditary neoplastic syndrome. Identifiers: Orphanet 140162, MedGen C0027672, MeSH D009386, MONDO:0015356.

Submission:

Ambry Genetics
Classification: Uncertain significance for Hereditary cancer-predisposing syndrome. Last evaluated: 2026-01-03. Review status: criteria provided, single submitter. Criteria: Ambry Variant Classification Scheme 2023. Collection method: clinical testing. Allele origin: germline.
Comment: The p.T1475S variant (also known as c.4424C>G), located in coding exon 22 of the DICER1 gene, results from a C to G substitution at nucleotide position 4424. The threonine at codon 1475 is replaced by serine, an amino acid with similar properties. This amino acid position is conserved. In addition, this alteration is predicted to be tolerated by in silico analysis. Based on the available evidence, the clinical significance of this variant remains unclear.

NM_177438.3(DICER1):c.4424C>G (p.Thr1475Ser)

Gene: DICER1 (dicer 1, ribonuclease III; minus strand). Cytogenetic location: 14q32.13.
Variant type: single nucleotide variant.
Coding change: c.4424C>G on transcript NM_177438.3 (MANE Select); coding-DNA position 4424, C replaced by G.
Protein change: p.Thr1475Ser; replaces threonine 1475 with serine.
Molecular consequence: missense variant. On other transcripts: non-coding transcript variant (6).
Genome position (GRCh38, 1-based): chr14:95,096,496, G>C on the plus strand (C>G on the coding strand, the complement: DICER1 is on the minus strand). VCF-style: chr14-95096496-G-C. GRCh37 (hg19) VCF-style: chr14-95562833-G-C.
Other names: c.4019C>G, p.Thr1340Ser (NM_001395689.1, NM_001395690.1, NM_001395687.1 and 2 more transcripts); c.3857C>G, p.Thr1286Ser (NM_001395691.1); c.4424C>G, p.Thr1475Ser (NM_001395692.1, NM_001395693.1, NM_001395694.1 and 12 more transcripts); c.4142C>G, p.Thr1381Ser (NM_001395686.1); c.2741C>G, p.Thr914Ser (NM_001395697.1); short protein forms T1475S, T914S, T1381S, T1286S, T1340S.
Identifiers: ClinVar variation 4843082 (VCV004843082.1).